The following is an entry in ClinVar:

ClinVar aggregate classification (germline): Uncertain significance (1 of 4 stars; one submission).

Allele frequency attached by ClinVar (database versions not stated): gnomAD 0.00002; TOPMed 0.00002.
gnomAD v4.1: 22 of 1,529,282 alleles (0.0014%); highest among the groups gnomAD compares: Middle Eastern, 0.017%; no homozygotes.

Submission:

Labcorp Genetics (formerly Invitae), Labcorp
Classification: Uncertain significance. Last evaluated: 2023-10-13. Review status: criteria provided, single submitter. Criteria: Invitae Variant Classification Sherloc (09022015). Collection method: clinical testing. Allele origin: germline.
Comment: This sequence change replaces arginine, which is basic and polar, with tryptophan, which is neutral and slightly polar, at codon 2873 of the UNC80 protein (p.Arg2873Trp). This variant is present in population databases (no rsID available, gnomAD 0.004%). This variant has not been reported in the literature in individuals affected with UNC80-related conditions. ClinVar contains an entry for this variant (Variation ID: 1907480). Advanced modeling of protein sequence and biophysical properties (such as structural, functional, and spatial information, amino acid conservation, physicochemical variation, residue mobility, and thermodynamic stability) performed at Invitae indicates that this missense variant is not expected to disrupt UNC80 protein function. In summary, the available evidence is currently insufficient to determine the role of this variant in disease. Therefore, it has been classified as a Variant of Uncertain Significance.

NM_001371986.1(UNC80):c.8815C>T (p.Arg2939Trp)

Gene: UNC80 (unc-80 subunit of NALCN channel complex; plus strand). Cytogenetic location: 2q34.
Variant type: single nucleotide variant.
Coding change: c.8815C>T on transcript NM_001371986.1 (MANE Select); coding-DNA position 8815, C replaced by T.
Protein change: p.Arg2939Trp; replaces arginine 2939 with tryptophan.
Molecular consequence: missense variant.
Genome position (GRCh38, 1-based): chr2:209,976,955, C>T. VCF-style: chr2-209976955-C-T. GRCh37 (hg19) VCF-style: chr2-210841679-C-T.
Other names: c.8617C>T, p.Arg2873Trp (NM_032504.2); c.8602C>T, p.Arg2868Trp (NM_182587.4); short protein forms R2873W, R2868W, R2939W.
Identifiers: ClinVar variation 1907480 (VCV001907480.5), dbSNP rs942370327, ClinGen allele CA64658857.